The following is an entry in ClinVar:

NM_002473.6(MYH9):c.2288T>G (p.Phe763Cys)

Gene: MYH9 (myosin heavy chain 9; minus strand). Cytogenetic location: 22q12.3.
Variant type: single nucleotide variant.
Coding change: c.2288T>G on transcript NM_002473.6 (MANE Select); coding-DNA position 2288, T replaced by G.
Protein change: p.Phe763Cys; replaces phenylalanine 763 with cysteine.
Molecular consequence: missense variant.
Genome position (GRCh38, 1-based): chr22:36,304,097, A>C on the plus strand (T>G on the coding strand, the complement: MYH9 is on the minus strand). VCF-style: chr22-36304097-A-C. GRCh37 (hg19) VCF-style: chr22-36700143-A-C.
Other names: short protein forms F763C.
Identifiers: ClinVar variation 1942273 (VCV001942273.5), dbSNP rs1282922939, ClinGen allele CA411396506.

ClinVar aggregate classification (germline): Uncertain significance (1 of 4 stars; one submission).

Allele frequency attached by ClinVar (database versions not stated): TOPMed 0.00001; gnomAD exomes 0.00002; gnomAD 0.00003.
gnomAD v4.1: 39 of 1,613,678 alleles (0.0024%); highest among the groups gnomAD compares: Non-Finnish European, 0.0033%; no homozygotes.

Submission:

Labcorp Genetics (formerly Invitae), Labcorp
Classification: Uncertain significance. Last evaluated: 2025-09-02. Review status: criteria provided, single submitter. Criteria: Invitae Variant Classification Sherloc (09022015). Collection method: clinical testing. Allele origin: germline.
Comment: This sequence change replaces phenylalanine, which is neutral and non-polar, with cysteine, which is neutral and slightly polar, at codon 763 of the MYH9 protein (p.Phe763Cys). This variant is present in population databases (no rsID available, gnomAD 0.0009%). This variant has not been reported in the literature in individuals affected with MYH9-related conditions. ClinVar contains an entry for this variant (Variation ID: 1942273). Invitae Evidence Modeling of protein sequence and biophysical properties (such as structural, functional, and spatial information, amino acid conservation, physicochemical variation, residue mobility, and thermodynamic stability) has been performed for this missense variant. However, the output from this modeling did not meet the statistical confidence thresholds required to predict the impact of this variant on MYH9 protein function. In summary, the available evidence is currently insufficient to determine the role of this variant in disease. Therefore, it has been classified as a Variant of Uncertain Significance.